The following is an entry in ClinVar:

ClinVar aggregate classification (germline): Conflicting classifications of pathogenicity. Review status: criteria provided, conflicting classifications (1 of 4 stars). 3 submissions from 3 submitters: Uncertain significance (2); Likely benign (1). Last evaluated 2024-03-01.

Conditions:
Isolated focal non-epidermolytic palmoplantar keratoderma. Also called: Palmoplantar keratoderma, nonepidermolytic, focal 2. Identifiers: Orphanet 448264, MedGen C4225339, MONDO:0014622, OMIM 616400.
Inborn genetic diseases. Identifiers: MedGen C0950123, MeSH D030342.

Allele frequency attached by ClinVar (database versions not stated): ExAC 0.00007; gnomAD 0.00009; gnomAD exomes 0.00012; TOPMed 0.00015; ESP Exome Variant Server 0.00023.
gnomAD v4.1: 376 of 1,613,914 alleles (0.023%); highest among the groups gnomAD compares: Non-Finnish European, 0.031%; no homozygotes.

Submissions (3):

Ambry Genetics
Classification: Uncertain significance for Inborn genetic diseases. Last evaluated: 2024-03-01. Review status: criteria provided, single submitter. Criteria: Ambry Variant Classification Scheme 2023. Collection method: clinical testing. Allele origin: germline.

Labcorp Genetics (formerly Invitae), Labcorp
Classification: Uncertain significance. Last evaluated: 2023-06-11. Review status: criteria provided, single submitter. Criteria: Invitae Variant Classification Sherloc (09022015). Collection method: clinical testing. Allele origin: germline.
Comment: In summary, the available evidence is currently insufficient to determine the role of this variant in disease. Therefore, it has been classified as a Variant of Uncertain Significance. An algorithm developed to predict the effect of missense changes on protein structure and function (PolyPhen-2) suggests that this variant is likely to be disruptive. ClinVar contains an entry for this variant (Variation ID: 888952). This variant has not been reported in the literature in individuals affected with TRPV3-related conditions. This variant is present in population databases (rs137894635, gnomAD 0.02%). This sequence change replaces asparagine, which is neutral and polar, with lysine, which is basic and polar, at codon 180 of the TRPV3 protein (p.Asn180Lys).

Illumina Laboratory Services, Illumina
Classification: Likely benign for Isolated focal non-epidermolytic palmoplantar keratoderma. Last evaluated: 2018-01-13. Review status: criteria provided, single submitter. Criteria: ICSL Variant Classification Criteria 13 December 2019. Collection method: clinical testing. Allele origin: germline.
Comment: This variant was observed in the ICSL laboratory as part of a predisposition screen in an ostensibly healthy population. It had not been previously curated by ICSL or reported in the Human Gene Mutation Database (HGMD: prior to June 1st, 2018), and was therefore a candidate for classification through an automated scoring system. Utilizing variant allele frequency, disease prevalence and penetrance estimates, and inheritance mode, an automated score was calculated to assess if this variant is too frequent to cause the disease. Based on the score and internal cut-off values, a variant classified as likely benign is not then subjected to further curation. The score for this variant resulted in a classification of likely benign for this disease.

NM_145068.4(TRPV3):c.540C>A (p.Asn180Lys)

Gene: TRPV3 (transient receptor potential cation channel subfamily V member 3; minus strand). Cytogenetic location: 17p13.2.
Variant type: single nucleotide variant.
Coding change: c.540C>A on transcript NM_145068.4 (MANE Select); coding-DNA position 540, C replaced by A.
Protein change: p.Asn180Lys; replaces asparagine 180 with lysine.
Molecular consequence: missense variant.
Genome position (GRCh38, 1-based): chr17:3,542,625, G>T on the plus strand (C>A on the coding strand, the complement: TRPV3 is on the minus strand). VCF-style: chr17-3542625-G-T. GRCh37 (hg19) VCF-style: chr17-3445919-G-T.
Other names: c.540C>A, p.Asn180Lys (NM_001258205.2); c.540C>A (NM_145068.2); short protein forms N180K.
Identifiers: ClinVar variation 888952 (VCV000888952.8), dbSNP rs137894635, ClinGen allele CA8289811.
Genomic context (GRCh38, chr17:3,542,625, plus strand): 5'-CAGGATGTCGTTCTCTTCAGCAAAGGCAAGCAGGATCCGCACTATCTCCTTGGTGTTGGG[G>T]TTGATGTTTAACAAGGCCTTCATCAGGCAGGTCTTCCCCGTGTCGGAGGCCGTCAGCTTG-3'
Protein context (NP_659505.1, residues 170-190): TCLMKALLNI[Asn180Lys]PNTKEIVRIL